The following is an entry in ClinVar:

NM_014363.6(SACS):c.621dup (p.Ser208Ter)

Gene: SACS (sacsin molecular chaperone; minus strand). Cytogenetic location: 13q12.12.
Variant type: Duplication.
Coding change: c.621dup on transcript NM_014363.6 (MANE Select); coding-DNA position 621, one base duplicated (T; older notation c.621dupT).
Protein change: p.Ser208Ter; replaces serine 208 with a stop codon.
Molecular consequence: nonsense.
Genome position (GRCh38, 1-based): chr13:23,355,991, A duplicated on the plus strand (T on the coding strand, the reverse complement: SACS is on the minus strand); the first of 3 consecutive A bases (chr13:23,355,991-23,355,993); duplicating any one gives the same sequence. VCF-style (leftmost placement, unchanged base first): chr13-23355990-T-TA. GRCh37 (hg19) VCF-style: chr13-23930129-T-TA.
Other names: c.180dup, p.Ser61Ter (NM_001278055.2); short protein forms S208*, S61*.
Identifiers: ClinVar variation 1421564 (VCV001421564.6), dbSNP rs2137729385, ClinGen allele CA2573149140.

ClinVar aggregate classification (germline): Pathogenic (1 of 4 stars; one submission).

Conditions:
Spastic paraplegia. Identifiers: MedGen C0037772, HP:0001258.

Submission:

Labcorp Genetics (formerly Invitae), Labcorp
Classification: Pathogenic for Spastic paraplegia. Last evaluated: 2022-02-01. Review status: criteria provided, single submitter. Criteria: Invitae Variant Classification Sherloc (09022015). Collection method: clinical testing. Allele origin: germline.
Comment: This variant is not present in population databases (gnomAD no frequency). For these reasons, this variant has been classified as Pathogenic. This variant has not been reported in the literature in individuals affected with SACS-related conditions. This sequence change creates a premature translational stop signal (p.Ser208*) in the SACS gene. It is expected to result in an absent or disrupted protein product. Loss-of-function variants in SACS are known to be pathogenic (PMID: 18465152, 20876471).

Literature cited by the submitters: PubMed 18465152; PubMed 20876471.